The following is an entry in ClinVar:

NM_004211.5(SLC6A5):c.83G>A (p.Gly28Asp)

Gene: SLC6A5 (solute carrier family 6 member 5; plus strand). Cytogenetic location: 11p15.1.
Variant type: single nucleotide variant.
Coding change: c.83G>A on transcript NM_004211.5 (MANE Select); coding-DNA position 83, G replaced by A.
Protein change: p.Gly28Asp; replaces glycine 28 with aspartic acid.
Molecular consequence: missense variant. On other transcripts: 5 prime UTR variant (1).
Genome position (GRCh38, 1-based): chr11:20,601,208, G>A. VCF-style: chr11-20601208-G-A. GRCh37 (hg19) VCF-style: chr11-20622754-G-A.
Other names: c.-481G>A (NM_001318369.2); short protein forms G28D.
Identifiers: ClinVar variation 1717591 (VCV001717591.3), dbSNP rs759042080, ClinGen allele CA218722458.

ClinVar aggregate classification (germline): Uncertain significance (1 of 4 stars; one submission).

Conditions:
Hyperekplexia 3 (HKPX3). Also called: HYPEREKPLEXIA 3, AUTOSOMAL RECESSIVE; HYPEREKPLEXIA 3, AUTOSOMAL DOMINANT. Identifiers: Orphanet 3197, MedGen C3553288, MONDO:0013827, OMIM 614618.

Allele frequency attached by ClinVar (database versions not stated): gnomAD exomes below 0.00001.
gnomAD v4.1: 2 of 1,584,268 alleles (0.00013%); highest among the groups gnomAD compares: Non-Finnish European, 0.00017%; no homozygotes.

Submission:

Labcorp Genetics (formerly Invitae), Labcorp
Classification: Uncertain significance for Hyperekplexia 3. Last evaluated: 2022-08-22. Review status: criteria provided, single submitter. Criteria: Invitae Variant Classification Sherloc (09022015). Collection method: clinical testing. Allele origin: germline.
Comment: This sequence change replaces glycine, which is neutral and non-polar, with aspartic acid, which is acidic and polar, at codon 28 of the SLC6A5 protein (p.Gly28Asp). This variant is not present in population databases (gnomAD no frequency). This variant has not been reported in the literature in individuals affected with SLC6A5-related conditions. Advanced modeling of protein sequence and biophysical properties (such as structural, functional, and spatial information, amino acid conservation, physicochemical variation, residue mobility, and thermodynamic stability) performed at Invitae indicates that this missense variant is not expected to disrupt SLC6A5 protein function. In summary, the available evidence is currently insufficient to determine the role of this variant in disease. Therefore, it has been classified as a Variant of Uncertain Significance.